The following is an entry in ClinVar:

NM_002485.5(NBN):c.335C>T (p.Pro112Leu)

Gene: NBN (nibrin; minus strand). Cytogenetic location: 8q21.3.
Variant type: single nucleotide variant.
Coding change: c.335C>T on transcript NM_002485.5 (MANE Select); coding-DNA position 335, C replaced by T.
Protein change: p.Pro112Leu; replaces proline 112 with leucine.
Molecular consequence: missense variant.
Genome position (GRCh38, 1-based): chr8:89,980,879, G>A on the plus strand (C>T on the coding strand, the complement: NBN is on the minus strand). VCF-style: chr8-89980879-G-A. GRCh37 (hg19) VCF-style: chr8-90993107-G-A.
Other names: c.89C>T, p.Pro30Leu (NM_001024688.3); short protein forms P112L, P30L.
Identifiers: ClinVar variation 823660 (VCV000823660.21), dbSNP rs759723870, ClinGen allele CA371662134.

ClinVar aggregate classification (germline): Uncertain significance. Review status: criteria provided, multiple submitters, no conflicts (2 of 4 stars). 5 submissions from 5 submitters: Uncertain significance (4). 1 of the submissions does not count toward it. Last evaluated 2024-09-04.

Conditions:
Microcephaly, normal intelligence and immunodeficiency (NBS). Also called: Nijmegen breakage syndrome; Microcephaly with normal intelligence immunodeficiency and lymphoreticular malignancies; Nonsyndromal microcephaly autosomal recessive with normal intelligence; Seemanova syndrome 2; Ataxia telangiectasia variant V1; BERLIN BREAKAGE SYNDROME. Identifiers: Orphanet 647, MedGen C0398791, MONDO:0009623, OMIM 251260.
Hereditary cancer-predisposing syndrome. Also called: Neoplastic Syndromes, Hereditary; Hereditary Cancer Syndrome; Hereditary neoplastic syndrome; Tumor predisposition. Identifiers: Orphanet 140162, MedGen C0027672, MeSH D009386, MONDO:0015356.
Aplastic anemia. Identifiers: Orphanet 182040, Orphanet 88, MedGen C0002874, MONDO:0015909, OMIM 609135, HP:0001915.

Allele frequency attached by ClinVar (database versions not stated): gnomAD 0.00003.
gnomAD v4.1: 11 of 1,612,548 alleles (0.00068%); highest among the groups gnomAD compares: South Asian, 0.0044%; no homozygotes.

Submissions (5):

Labcorp Genetics (formerly Invitae), Labcorp
Classification: Uncertain significance for Microcephaly, normal intelligence and immunodeficiency. Last evaluated: 2024-09-04. Review status: criteria provided, single submitter. Criteria: Invitae Variant Classification Sherloc (09022015). Collection method: clinical testing. Allele origin: germline.
Comment: This sequence change replaces proline, which is neutral and non-polar, with leucine, which is neutral and non-polar, at codon 112 of the NBN protein (p.Pro112Leu). This variant is present in population databases (no rsID available, gnomAD 0.007%). This variant has not been reported in the literature in individuals affected with NBN-related conditions. ClinVar contains an entry for this variant (Variation ID: 823660). An algorithm developed to predict the effect of missense changes on protein structure and function (PolyPhen-2) suggests that this variant is likely to be disruptive. In summary, the available evidence is currently insufficient to determine the role of this variant in disease. Therefore, it has been classified as a Variant of Uncertain Significance.

Baylor Genetics
Classification: Uncertain significance for Aplastic anemia. Last evaluated: 2024-02-14. Review status: criteria provided, single submitter. Criteria: ACMG Guidelines, 2015. Collection method: clinical testing. Allele origin: unknown.

Ambry Genetics
Classification: Uncertain significance for Hereditary cancer-predisposing syndrome. Last evaluated: 2023-11-09. Review status: criteria provided, single submitter. Criteria: Ambry Variant Classification Scheme 2023. Collection method: clinical testing. Allele origin: germline.
Comment: The p.P112L variant (also known as c.335C>T), located in coding exon 4 of the NBN gene, results from a C to T substitution at nucleotide position 335. The proline at codon 112 is replaced by leucine, an amino acid with similar properties. This amino acid position is well conserved in available vertebrate species. In addition, the in silico prediction for this alteration is inconclusive. Since supporting evidence is limited at this time, the clinical significance of this alteration remains unclear.

Genome-Nilou Lab
Classification: Uncertain significance for Microcephaly, normal intelligence and immunodeficiency. Last evaluated: 2021-11-07. Review status: criteria provided, single submitter. Criteria: ACMG Guidelines, 2015. Collection method: clinical testing. Allele origin: germline. Affected: no.

Natera, Inc.
Classification: Uncertain significance for Nijmegen breakage syndrome. Last evaluated: 2021-06-16. Review status: no assertion criteria provided. Collection method: clinical testing. Allele origin: germline. Not counted in ClinVar's aggregate classification.